The following is an entry in ClinVar:

NM_007186.6(CEP250):c.6592C>T (p.Gln2198Ter)

Gene: CEP250 (centrosomal protein 250; plus strand). Cytogenetic location: 20q11.22.
Variant type: single nucleotide variant.
Coding change: c.6592C>T on transcript NM_007186.6 (MANE Select); coding-DNA position 6592, C replaced by T.
Protein change: p.Gln2198Ter; replaces glutamine 2198 with a stop codon.
Molecular consequence: nonsense.
Genome position (GRCh38, 1-based): chr20:35,504,961, C>T. VCF-style: chr20-35504961-C-T. GRCh37 (hg19) VCF-style: chr20-34092789-C-T.
Other names: c.4696C>T, p.Gln1566Ter (NM_001318219.1); short protein forms Q1566*, Q2198*.
Identifiers: ClinVar variation 2859208 (VCV002859208.3), dbSNP rs780249987, ClinGen allele CA408757561.

ClinVar aggregate classification (germline): Pathogenic (1 of 4 stars; one submission).

Allele frequency attached by ClinVar (database versions not stated): gnomAD exomes below 0.00001; TOPMed below 0.00001; gnomAD 0.00001.
gnomAD v4.1: 3 of 1,613,512 alleles (0.00019%); highest among the groups gnomAD compares: Non-Finnish European, 0.00025%; no homozygotes.

Submission:

Labcorp Genetics (formerly Invitae), Labcorp
Classification: Pathogenic. Last evaluated: 2023-06-14. Review status: criteria provided, single submitter. Criteria: Invitae Variant Classification Sherloc (09022015). Collection method: clinical testing. Allele origin: germline.
Comment: This sequence change creates a premature translational stop signal (p.Gln2198*) in the CEP250 gene. It is expected to result in an absent or disrupted protein product. Loss-of-function variants in CEP250 are known to be pathogenic (PMID: 24780881, 29718797). This variant is not present in population databases (gnomAD no frequency). This variant has not been reported in the literature in individuals affected with CEP250-related conditions. For these reasons, this variant has been classified as Pathogenic.

Literature cited by the submitters: PubMed 24780881; PubMed 29718797.